The following is an entry in ClinVar:

NM_004795.4(KL):c.316A>C (p.Asn106His)

Gene: KL (klotho; plus strand). Cytogenetic location: 13q13.1.
Variant type: single nucleotide variant.
Coding change: c.316A>C on transcript NM_004795.4 (MANE Select); coding-DNA position 316, A replaced by C.
Protein change: p.Asn106His; replaces asparagine 106 with histidine.
Molecular consequence: missense variant.
Genome position (GRCh38, 1-based): chr13:33,016,756, A>C. VCF-style: chr13-33016756-A-C. GRCh37 (hg19) VCF-style: chr13-33590894-A-C.
Other names: short protein forms N106H.
Identifiers: ClinVar variation 1410941 (VCV001410941.6), dbSNP rs1870354005, ClinGen allele CA387780914.
Genomic context (GRCh38, chr13:33,016,756, plus strand): 5'-GGTGCGTCCATCTGGGATACGTTCACCCACCACCCCCTGGCACCCCCGGGAGACTCCCGG[A>C]ACGCCAGTCTGCCGTTGGGCGCCCCGTCGCCGCTGCAGCCCGCCACCGGGGACGTAGCCA-3'
Protein context (NP_004786.2, residues 96-116): HPLAPPGDSR[Asn106His]ASLPLGAPSP

ClinVar aggregate classification (germline): Uncertain significance (1 of 4 stars; one submission).

Allele frequency attached by ClinVar (database versions not stated): gnomAD 0.00001; TOPMed 0.00001.
gnomAD v4.1: 2 of 1,611,616 alleles (0.00012%); highest among the groups gnomAD compares: African/African-American, 0.0013%; no homozygotes.

Submission:

Labcorp Genetics (formerly Invitae), Labcorp
Classification: Uncertain significance. Last evaluated: 2021-11-06. Review status: criteria provided, single submitter. Criteria: Invitae Variant Classification Sherloc (09022015). Collection method: clinical testing. Allele origin: germline.
Comment: This sequence change replaces asparagine, which is neutral and polar, with histidine, which is basic and polar, at codon 106 of the KL protein (p.Asn106His). This variant is not present in population databases (gnomAD no frequency). This variant has not been reported in the literature in individuals affected with KL-related conditions. Algorithms developed to predict the effect of missense changes on protein structure and function (SIFT, PolyPhen-2, Align-GVGD) all suggest that this variant is likely to be tolerated. In summary, the available evidence is currently insufficient to determine the role of this variant in disease. Therefore, it has been classified as a Variant of Uncertain Significance.